The following is an entry in ClinVar:

ClinVar aggregate classification (germline): Uncertain significance. Review status: criteria provided, multiple submitters, no conflicts (2 of 4 stars). 2 submissions from 2 submitters: Uncertain significance (2). Last evaluated 2025-07-16.

Conditions:
Inborn genetic diseases. Identifiers: MedGen C0950123, MeSH D030342.
Charcot-Marie-Tooth disease axonal type 2Z. Also called: CHARCOT-MARIE-TOOTH DISEASE, AXONAL, AUTOSOMAL DOMINANT, TYPE 2Z; CHARCOT-MARIE-TOOTH NEUROPATHY, TYPE 2Z. Identifiers: Orphanet 466768, MedGen C5569025, MONDO:0014736, OMIM 616688.

Allele frequency attached by ClinVar (database versions not stated): gnomAD 0.00002 and 0.00001; gnomAD exomes 0.00002 and 0.00004; TOPMed 0.00003; ExAC 0.00004; 1000 Genomes Project 30x 0.00016; 1000 Genomes Project 0.00020.
gnomAD v4.1: 59 of 1,611,284 alleles (0.0037%); highest among the groups gnomAD compares: East Asian, 0.0045%; no homozygotes.

Submissions (2):

Labcorp Genetics (formerly Invitae), Labcorp
Classification: Uncertain significance for Charcot-Marie-Tooth disease axonal type 2Z. Last evaluated: 2025-07-16. Review status: criteria provided, single submitter. Criteria: Invitae Variant Classification Sherloc (09022015). Collection method: clinical testing. Allele origin: germline.
Comment: This sequence change replaces arginine, which is basic and polar, with tryptophan, which is neutral and slightly polar, at codon 535 of the MORC2 protein (p.Arg535Trp). This variant is present in population databases (rs576981610, gnomAD 0.007%). This variant has not been reported in the literature in individuals affected with MORC2-related conditions. ClinVar contains an entry for this variant (Variation ID: 944588). An algorithm developed to predict the effect of missense changes on protein structure and function (PolyPhen-2) suggests that this variant is likely to be tolerated. In summary, the available evidence is currently insufficient to determine the role of this variant in disease. Therefore, it has been classified as a Variant of Uncertain Significance.

Ambry Genetics
Classification: Uncertain significance for Inborn genetic diseases. Last evaluated: 2022-03-22. Review status: criteria provided, single submitter. Criteria: Ambry Variant Classification Scheme 2023. Collection method: clinical testing. Allele origin: germline.
Comment: The p.R535W variant (also known as c.1603C>T), located in coding exon 16 of the MORC2 gene, results from a C to T substitution at nucleotide position 1603. The arginine at codon 535 is replaced by tryptophan, an amino acid with dissimilar properties. This amino acid position is not well conserved in available vertebrate species. In addition, this alteration is predicted to be tolerated by in silico analysis. Since supporting evidence is limited at this time, the clinical significance of this alteration remains unclear.

NM_001303256.3(MORC2):c.1603C>T (p.Arg535Trp)

Gene: MORC2 (MORC family CW-type zinc finger 2; minus strand). Cytogenetic location: 22q12.2.
Variant type: single nucleotide variant.
Coding change: c.1603C>T on transcript NM_001303256.3 (MANE Select); coding-DNA position 1603, C replaced by T.
Protein change: p.Arg535Trp; replaces arginine 535 with tryptophan.
Molecular consequence: missense variant.
Genome position (GRCh38, 1-based): chr22:30,936,933, G>A on the plus strand (C>T on the coding strand, the complement: MORC2 is on the minus strand). VCF-style: chr22-30936933-G-A. GRCh37 (hg19) VCF-style: chr22-31332920-G-A.
Other names: c.1603C>T, p.Arg535Trp (NM_001303257.2); c.1417C>T, p.Arg473Trp (NM_014941.3); short protein forms R473W, R535W.
Identifiers: ClinVar variation 944588 (VCV000944588.10), dbSNP rs576981610, ClinGen allele CA10186918.
Genomic context (GRCh38, chr22:30,936,933, plus strand): 5'-CACAGTGAGGGGCAGGGGAGAAAAGTACCCACAATCCCCTTGTTAGACAATGTGCTCACC[G>A]GTCCTGTTCAGGATCAGGGTTCATGGAGCAAACCCAGGTGTCAGGGTAATCTTTTTCCAC-3'
Protein context (NP_001290185.1, residues 525-545): CSMNPDPEQD[Arg535Trp]CEASEQKQKV